The following is an entry in ClinVar:

NM_002470.4(MYH3):c.223G>C (p.Glu75Gln)

Gene: MYH3 (myosin heavy chain 3; minus strand). Cytogenetic location: 17p13.1.
Variant type: single nucleotide variant.
Coding change: c.223G>C on transcript NM_002470.4 (MANE Select); coding-DNA position 223, G replaced by C.
Protein change: p.Glu75Gln; replaces glutamic acid 75 with glutamine.
Molecular consequence: missense variant.
Genome position (GRCh38, 1-based): chr17:10,652,545, C>G on the plus strand (G>C on the coding strand, the complement: MYH3 is on the minus strand). VCF-style: chr17-10652545-C-G. GRCh37 (hg19) VCF-style: chr17-10555862-C-G.
Other names: short protein forms E75Q.
Identifiers: ClinVar variation 3611618 (VCV003611618.2).

ClinVar aggregate classification (germline): Uncertain significance (1 of 4 stars; one submission).

gnomAD v4.1: 10 of 1,606,676 alleles (0.00062%); highest among the groups gnomAD compares: Non-Finnish European, 0.00076%; no homozygotes.

Submission:

Labcorp Genetics (formerly Invitae), Labcorp
Classification: Uncertain significance. Last evaluated: 2024-11-18. Review status: criteria provided, single submitter. Criteria: Invitae Variant Classification Sherloc (09022015). Collection method: clinical testing. Allele origin: germline.
Comment: This sequence change replaces glutamic acid, which is acidic and polar, with glutamine, which is neutral and polar, at codon 75 of the MYH3 protein (p.Glu75Gln). This variant is present in population databases (no rsID available, gnomAD 0.0009%). This variant has not been reported in the literature in individuals affected with MYH3-related conditions. Invitae Evidence Modeling of protein sequence and biophysical properties (such as structural, functional, and spatial information, amino acid conservation, physicochemical variation, residue mobility, and thermodynamic stability) indicates that this missense variant is not expected to disrupt MYH3 protein function with a negative predictive value of 95%. In summary, the available evidence is currently insufficient to determine the role of this variant in disease. Therefore, it has been classified as a Variant of Uncertain Significance.